The following is an entry in ClinVar:

ClinVar aggregate classification (germline): Pathogenic/Likely pathogenic. Review status: criteria provided, multiple submitters, no conflicts (2 of 4 stars). 8 submissions from 8 submitters: Pathogenic (3); Likely pathogenic (3). 2 of the submissions do not count toward it. Last evaluated 2026-07-23.

Conditions:
Marfan Syndrome/Loeys-Dietz Syndrome/Familial Thoracic Aortic Aneurysms and Dissections. Identifiers: MedGen CN229799.
Marfan syndrome (MFS). Also called: Marfan syndrome, classic; FBN1-Related Marfan Syndrome; Marfan syndrome type 1; Marfan's syndrome; MARFAN SYNDROME, TYPE I. Identifiers: Orphanet 284963, Orphanet 558, MedGen C0024796, MONDO:0007947, OMIM 154700.
Familial thoracic aortic aneurysm and aortic dissection (TAAD). Also called: Thoracic aortic aneurysms and dissections. Identifiers: Orphanet 91387, MedGen C4707243, MONDO:0019625.
FBN1-related disorder. Also called: FBN1-related disorders.

Allele frequency attached by ClinVar (database versions not stated): gnomAD exomes below 0.00001; ExAC 0.00001.

Submissions (8):

GeneDx
Classification: Likely pathogenic. Last evaluated: 2026-07-23. Review status: criteria provided, single submitter. Criteria: GeneDx Variant Classification Process June 2021. Collection method: clinical testing. Allele origin: germline.
Comment: Not observed at significant frequency in large population cohorts (gnomAD); In silico analysis supports that this missense variant has a deleterious effect on protein structure/function; This variant is associated with the following publications: (PMID: 18435798, 25525159, 17627385, 17657824, 31211624, 23684891, 23744319, 26272055, 20591885, 41999216, 32679894, 33648514, 40169830, 37558401)

Labcorp Genetics (formerly Invitae), Labcorp
Classification: Pathogenic for Marfan syndrome; Familial thoracic aortic aneurysm and aortic dissection. Last evaluated: 2025-03-05. Review status: criteria provided, single submitter. Criteria: Invitae Variant Classification Sherloc (09022015). Collection method: clinical testing. Allele origin: germline.
Comment: This sequence change replaces glutamic acid, which is acidic and polar, with lysine, which is basic and polar, at codon 1811 of the FBN1 protein (p.Glu1811Lys). This variant is present in population databases (rs761857514, gnomAD 0.003%). This missense change has been observed in individuals with clinical features of Marfan syndrome (PMID: 17627385, 17657824, 18435798, 23684891, 23744319, 31211624, 32679894). ClinVar contains an entry for this variant (Variation ID: 200063). Invitae Evidence Modeling of protein sequence and biophysical properties (such as structural, functional, and spatial information, amino acid conservation, physicochemical variation, residue mobility, and thermodynamic stability) indicates that this missense variant is expected to disrupt FBN1 protein function with a positive predictive value of 95%. For these reasons, this variant has been classified as Pathogenic.

Women's Health and Genetics/Laboratory Corporation of America, LabCorp
Classification: Pathogenic for Marfan Syndrome/Loeys-Dietz Syndrome/Familial Thoracic Aortic Aneurysms and Dissections. Last evaluated: 2024-04-30. Review status: criteria provided, single submitter. Criteria: LabCorp Variant Classification Summary - May 2015. Collection method: clinical testing. Allele origin: germline.
Comment: Variant summary: FBN1 c.5431G>A (p.Glu1811Lys) results in a conservative amino acid change in the EGF-like domain (IPR000742) of the encoded protein sequence. Four of five in-silico tools predict a damaging effect of the variant on protein function. The variant allele was found at a frequency of 4e-06 in 251542 control chromosomes. c.5431G>A has been reported in the literature in multiple individuals affected with Marfan Syndrome (example, Attanasio_2008,2013, Comeglio_2007, Howarth_2007, Lu_2013, Guo_2015). These data indicate that the variant is very likely to be associated with disease. To our knowledge, no experimental evidence demonstrating an impact on protein function has been reported. The following publications have been ascertained in the context of this evaluation (PMID: 18435798, 23684891, 17657824, 26272055, 17627385, 23744319). ClinVar contains an entry for this variant (Variation ID: 200063). Based on the evidence outlined above, the variant was classified as pathogenic.

Blueprint Genetics
Classification: Likely pathogenic for FBN1-related disorders. Last evaluated: 2021-06-01. Review status: criteria provided, single submitter. Criteria: ACMG Guidelines, 2015. Collection method: clinical testing. Allele origin: germline. Affected: yes. Observed: 4 variant alleles.

Ambry Genetics
Classification: Likely pathogenic for Familial thoracic aortic aneurysm and aortic dissection. Last evaluated: 2017-02-27. Review status: criteria provided, single submitter. Criteria: Ambry Variant Classification Scheme 2023. Collection method: clinical testing. Allele origin: germline.
Comment: The p.E1811K variant (also known as c.5431G>A), located in coding exon 44 of the FBN1 gene, results from a G to A substitution at nucleotide position 5431. The glutamic acid at codon 1811 is replaced by lysine, an amino acid with similar properties, and is located in the cbEGF-like #26 domain. This alteration has been reported in multiple individuals with Marfan syndrome (Comeglio P et al. Hum. Mutat., 2007 Sep;28:928; Howarth R et al. Genet. Test., 2007;11:146-52; Attanasio M et al. Clin. Genet., 2008 Jul;74:39-46; Lu C et al. Zhonghua Yi Xue Yi Chuan Xue Za Zhi, 2013 Jun;30:301-4; Attanasio M et al. Eur J Med Genet, 2013 Jul;56:356-60). This amino acid position is highly conserved in available vertebrate species. In addition, this alteration is predicted to be deleterious by in silico analysis. Based on the majority of available evidence to date, this variant is likely to be pathogenic.

Juno Genomics, Hangzhou Juno Genomics, Inc
Classification: Pathogenic for Marfan syndrome. Review status: criteria provided, single submitter. Criteria: ACMG Guidelines, 2015. Collection method: clinical testing. Allele origin: germline. Affected: yes.
Comment: Absent from controls (or at extremely low frequency if recessive) in Genome Aggregation Database, Exome Sequencing Project, 1000 Genomes Project, or Exome Aggregation Consortium.;Multiple lines of computational evidence support a deleterious effect on the gene or gene product (conservation, evolutionary, splicing impact, etc).;Missense variant in a gene that has a low rate of benign missense variation and where missense variants are a common mechanism of disease.;The prevalence of the variant in affected individuals is significantly increased compared to the prevalence in controls.;Assumed de novo, but without confirmation of paternity and maternity.

Department of Laboratory Medicine and Genetics, Samsung Medical Center
Classification: Pathogenic for Marfan syndrome. Last evaluated: 2025-01-02. Review status: no assertion criteria provided. Collection method: clinical testing. Allele origin: germline. Not counted in ClinVar's aggregate classification.
Comment: The NM_000138.5:c.5431G>A is considered to be not rare in the general population database (gnomAD v2.1.1). This variant is predicted to be deleterious by in-silico analysis (REVEL). This variant is located in functional domains. This variant was found in a patient with Marfan syndrome meeting revised Ghent criteria (PMID: 17657824; 31211624; 32679894; 33648514). According to the ClinGen guidance for PP1/BS4 and PP4 criteria (PMID: 38103548), PP4 with weighted strength was applied. In summary, this variant was classified as a pathogenic variant for Marfan syndrome (PM1, PS4_M, PP2, PP3, PP4 with weighted strength).

Center for Medical Genetics Ghent, University of Ghent
Classification: Likely pathogenic for Marfan syndrome. Last evaluated: 2017-11-07. Review status: no assertion criteria provided. Collection method: clinical testing. Allele origin: germline. Affected: yes. Not counted in ClinVar's aggregate classification.

Literature cited by the submitters: PubMed 17627385 (cited by 3 submitters); PubMed 17657824 (cited by 4 submitters); PubMed 18435798 (cited by 3 submitters); PubMed 23684891 (cited by 3 submitters); PubMed 23744319 (cited by 3 submitters); PubMed 31211624 (cited by Labcorp Genetics (formerly Invitae), Labcorp and Department of Laboratory Medicine and Genetics, Samsung Medical Center); PubMed 32679894 (cited by Labcorp Genetics (formerly Invitae), Labcorp and Department of Laboratory Medicine and Genetics, Samsung Medical Center); PubMed 26272055 (cited by Women's Health and Genetics/Laboratory Corporation of America, LabCorp); PubMed 33648514 (cited by Department of Laboratory Medicine and Genetics, Samsung Medical Center); PubMed 37558401 (cited by Department of Laboratory Medicine and Genetics, Samsung Medical Center).

NM_000138.5(FBN1):c.5431G>A (p.Glu1811Lys)

Gene: FBN1 (fibrillin 1; minus strand). Cytogenetic location: 15q21.1.
Variant type: single nucleotide variant.
Coding change: c.5431G>A on transcript NM_000138.5 (MANE Select); coding-DNA position 5431, G replaced by A.
Protein change: p.Glu1811Lys; replaces glutamic acid 1811 with lysine.
Molecular consequence: missense variant.
Genome position (GRCh38, 1-based): chr15:48,452,676, C>T on the plus strand (G>A on the coding strand, the complement: FBN1 is on the minus strand). VCF-style: chr15-48452676-C-T. GRCh37 (hg19) VCF-style: chr15-48744873-C-T.
Other names: p.E1811K:GAG>AAG; short protein forms E1811K.
Identifiers: ClinVar variation 200063 (VCV000200063.22), dbSNP rs761857514, ClinGen allele CA015799.
Genomic context (GRCh38, chr15:48,452,676, plus strand): 5'-AGCTGCCTGCAGTGTTGATGCATTCGGCGTTGCGCTGGCACACTGGGCCGTTCTGACACT[C>T]GTCAATATCTACGAGCAGAAGAGAACTGAATTTGAAGGAGAACAGAATCTGGTGTCCAGT-3'
Protein context (NP_000129.3, residues 1801-1821): DKLLVCEDID[Glu1811Lys]CQNGPVCQRN